The following is an entry in ClinVar:

ClinVar aggregate classification (germline): Conflicting classifications of pathogenicity. Review status: criteria provided, conflicting classifications (1 of 4 stars). 4 submissions from 4 submitters: Uncertain significance (3); Likely benign (1). Last evaluated 2024-06-11.

Conditions:
Charcot-Marie-Tooth disease. Also called: Charcot-Marie-Tooth Hereditary Neuropathy; Charcot-Marie-Tooth Neuropathy. Identifiers: Orphanet 166, MedGen C0007959, MONDO:0015626.
Charcot-Marie-Tooth disease type 4. Also called: Charcot-Marie-Tooth, Type 4; Charcot-Marie-Tooth disease, type IV. Identifiers: Orphanet 64749, MedGen C4082197, MONDO:0018995.
Inborn genetic diseases. Identifiers: MedGen C0950123, MeSH D030342.

Allele frequency attached by ClinVar (database versions not stated): gnomAD 0.00001; TOPMed 0.00001; gnomAD exomes 0.00002.
gnomAD v4.1: 26 of 1,613,574 alleles (0.0016%); highest among the groups gnomAD compares: Non-Finnish European, 0.0022%; no homozygotes.

Submissions (4):

Labcorp Genetics (formerly Invitae), Labcorp
Classification: Likely benign for Charcot-Marie-Tooth disease type 4. Last evaluated: 2024-06-11. Review status: criteria provided, single submitter. Criteria: Invitae Variant Classification Sherloc (09022015). Collection method: clinical testing. Allele origin: germline.

Athena Diagnostics
Classification: Uncertain significance. Last evaluated: 2021-02-08. Review status: criteria provided, single submitter. Criteria: Athena Diagnostics criteria. Collection method: clinical testing. Allele origin: unknown.

Ambry Genetics
Classification: Uncertain significance for Inborn genetic diseases. Last evaluated: 2020-05-19. Review status: criteria provided, single submitter. Criteria: Ambry Variant Classification Scheme 2023. Collection method: clinical testing. Allele origin: germline.
Comment: The c.691-5T>A intronic variant results from a T to A substitution 5 nucleotides upstream from coding exon 4 in the FGD4 gene. This nucleotide position is well conserved in available vertebrate species. Using the BDGP and ESEfinder splice site prediction tools, this alteration is not predicted to have any significant effect on this splice acceptor site; however, direct evidence is unavailable. Since supporting evidence is limited at this time, the clinical significance of this alteration remains unclear.

Molecular Genetics Laboratory, London Health Sciences Centre
Classification: Uncertain significance for Charcot-Marie-Tooth disease. Review status: criteria provided, single submitter. Criteria: ACMG Guidelines, 2015. Collection method: clinical testing. Allele origin: germline. Affected: yes.

NM_001370298.3(FGD4):c.1102-5T>A

Gene: FGD4 (FYVE, RhoGEF and PH domain containing 4; plus strand). Cytogenetic location: 12p11.21.
Variant type: single nucleotide variant.
Coding change: c.1102-5T>A on transcript NM_001370298.3 (MANE Select); 5 bases into the intron before coding-DNA position 1102, T replaced by A.
Molecular consequence: intron variant.
Genome position (GRCh38, 1-based): chr12:32,601,273, T>A. VCF-style: chr12-32601273-T-A. GRCh37 (hg19) VCF-style: chr12-32754207-T-A.
Other names: c.1102-5T>A (NM_001384126.1); c.946-5T>A (NM_001304481.2); c.412-5T>A (NM_001330374.2, NM_001330373.2, NM_001384130.1); c.691-5T>A (NM_139241.3, NM_001384127.1, NM_001385118.1 and 1 more transcripts); c.-361-5T>A (NM_001304484.2); c.139-5T>A (NM_001370297.1); c.-54-5T>A (NM_001304483.2).
Identifiers: ClinVar variation 917066 (VCV000917066.12), dbSNP rs1459339879, ClinGen allele CA479166628.